The following is an entry in ClinVar:

NM_024675.4(PALB2):c.2834+2T>A

Gene: PALB2 (partner and localizer of BRCA2; minus strand). Cytogenetic location: 16p12.2.
Variant type: single nucleotide variant.
Coding change: c.2834+2T>A on transcript NM_024675.4 (MANE Select); the canonical splice donor site of the intron after coding-DNA position 2834, T replaced by A.
Molecular consequence: splice donor variant.
Genome position (GRCh38, 1-based): chr16:23,624,007, A>T on the plus strand (T>A on the coding strand, the complement: PALB2 is on the minus strand). VCF-style: chr16-23624007-A-T. GRCh37 (hg19) VCF-style: chr16-23635328-A-T.
Other names: c.1949+2T>A (NM_001407308.1, NM_001407306.1, NM_001407309.1 and 4 more transcripts); c.368+2T>A (NM_001407314.1); c.1046+2T>A (NM_001407313.1, NM_001407312.1); c.2774+2T>A (NM_001407296.1); c.2762+2T>A (NM_001407297.1); c.2672+2T>A (NM_001407302.1, NM_001407298.1); c.2834+2T>A (NM_001407300.1, NM_001407299.1, NM_001407301.1 and 1 more transcripts); c.1787+2T>A (NM_001407307.1).
Identifiers: ClinVar variation 2673834 (VCV002673834.4), dbSNP rs864622481, ClinGen allele CA395144747.

ClinVar aggregate classification (germline): Pathogenic/Likely pathogenic. Review status: criteria provided, multiple submitters, no conflicts (2 of 4 stars). 4 submissions from 4 submitters: Pathogenic (1); Likely pathogenic (3). Last evaluated 2025-10-23.

Conditions:
Hereditary cancer-predisposing syndrome. Also called: Tumor predisposition; Hereditary neoplastic syndrome; Neoplastic Syndromes, Hereditary; Hereditary Cancer Syndrome. Identifiers: Orphanet 140162, MedGen C0027672, MeSH D009386, MONDO:0015356.
Familial cancer of breast. Also called: Hereditary breast cancer; BREAST CANCER, FAMILIAL; hereditary breast carcinoma. Identifiers: Orphanet 227535, MedGen C0346153, MONDO:0016419, OMIM 114480. Disease mechanism: loss of function.

Submissions (4):

Labcorp Genetics (formerly Invitae), Labcorp
Classification: Pathogenic for Familial cancer of breast. Last evaluated: 2025-10-23. Review status: criteria provided, single submitter. Criteria: Invitae Variant Classification Sherloc (09022015). Collection method: clinical testing. Allele origin: germline.
Comment: This sequence change affects a donor splice site in intron 8 of the PALB2 gene. RNA analysis indicates that disruption of this splice site induces altered splicing and may result in an absent or altered protein product. This variant is not present in population databases (gnomAD no frequency). Disruption of this splice site has been observed in individual(s) with breast cancer (PMID: 28413668, 30287823, 32339256; internal data). It has also been observed to segregate with disease in related individuals. ClinVar contains an entry for this variant (Variation ID: 2673834). Studies have shown that disruption of this splice site results in skipping of exon 8 and/or intronic inclusion, and produces a non-functional protein and/or introduces a premature termination codon (internal data). For these reasons, this variant has been classified as Pathogenic.

Ambry Genetics
Classification: Likely pathogenic for Hereditary cancer-predisposing syndrome. Last evaluated: 2023-10-11. Review status: criteria provided, single submitter. Criteria: Ambry Variant Classification Scheme 2023. Collection method: clinical testing. Allele origin: germline.
Comment: The c.2834+2T>A intronic variant results from a T to A substitution two nucleotides after coding exon 8 of the PALB2 gene. This variant is considered to be rare based on population cohorts in the Genome Aggregation Database (gnomAD). This nucleotide position is highly conserved in available vertebrate species. In silico splice site analysis predicts that this alteration will weaken the native splice donor site. Alterations that disrupt the canonical splice site are expected to cause aberrant splicing, resulting in an abnormal protein or a transcript that is subject to nonsense-mediated mRNA decay. As such, this alteration is classified as likely pathogenic.

Myriad Genetics, Inc.
Classification: Likely pathogenic for Familial cancer of breast. Last evaluated: 2023-09-13. Review status: criteria provided, single submitter. Criteria: Myriad Autosomal Dominant, Autosomal Recessive and X-Linked Classification Criteria (2023). Collection method: clinical testing. Allele origin: unknown.
Comment: This variant is considered likely pathogenic. This variant occurs within a consensus splice junction and is predicted to result in abnormal mRNA splicing of either an out-of-frame exon or an in-frame exon necessary for protein stability and/or normal function.

Baylor Genetics
Classification: Likely pathogenic for Familial cancer of breast. Last evaluated: 2022-01-27. Review status: criteria provided, single submitter. Criteria: ACMG Guidelines, 2015. Collection method: clinical testing. Allele origin: unknown.

Literature cited by the submitters: PubMed 28413668 (cited by Labcorp Genetics (formerly Invitae), Labcorp); PubMed 30287823 (cited by Labcorp Genetics (formerly Invitae), Labcorp); PubMed 32339256 (cited by Labcorp Genetics (formerly Invitae), Labcorp).